The following is an entry in ClinVar:

NM_017780.4(CHD7):c.5504_5508delinsT (p.Gly1835fs)

Gene: CHD7 (chromodomain helicase DNA binding protein 7; plus strand). Cytogenetic location: 8q12.2.
Variant type: Indel.
Coding change: c.5504_5508delinsT on transcript NM_017780.4 (MANE Select); coding-DNA positions 5504 to 5508, GAACA replaced by T.
Protein change: p.Gly1835fs; shifts the reading frame from glycine 1835.
Molecular consequence: frameshift variant. On other transcripts: intron variant (1).
Genome position (GRCh38, 1-based): chr8:60,850,592-60,850,596, GAACA replaced by T. VCF-style: chr8-60850592-GAACA-T. GRCh37 (hg19) VCF-style: chr8-61763151-GAACA-T.
Other names: c.1717-11637_1717-11633delinsT (NM_001316690.1); short protein forms G1835fs.
Identifiers: ClinVar variation 694629 (VCV000694629.5), dbSNP rs1586440620, ClinGen allele CA915945701.

ClinVar aggregate classification (germline): Likely pathogenic (1 of 4 stars; one submission).

Conditions:
CHARGE syndrome (CHARGE). Also called: Coloboma, heart anomaly, choanal atresia, retardation, genital and ear anomalies; CHARGE association; Hall-Hittner syndrome; Hittner Hirsch Kreh syndrome; CHARGE ASSOCIATION--COLOBOMA, HEART ANOMALY, CHOANAL ATRESIA, RETARDATION, GENITAL AND EAR ANOMALIES. Identifiers: Orphanet 138, MedGen C0265354, MONDO:0008965.

Submission:

Diagnostics Services (NGS), CSIR - Centre For Cellular And Molecular Biology
Classification: Likely pathogenic for CHD7-related CHARGE syndrome. Last evaluated: 2019-11-08. Review status: criteria provided, single submitter. Criteria: ACMG Guidelines, 2015. Collection method: clinical testing. Allele origin: unknown. Inheritance: Autosomal dominant inheritance. Affected: yes. Observed: 1 heterozygote.
Comment: The deletion/insertion variant causes frameshift at 1835 amino acid position creating a premature stop codon at 1838 altered amino acid sequence that either may cause a truncated protein or nonsense mediated decay of the mRNA. The variation also may affect the splicing as predicted by in-silico Human Splicing Finder version 3.1 program. The 5508delinsT variant is not present in publicly available databases like 1000 Genomes, Exome Variant Server (EVS), Exome Aggregation Consortium (ExAC), Genome Aggregation Database (gnomAD) and dbSNP. The variant is also not present in our in-house exome database. The variant was also not reported to OMIM, ClinVar and Human Genome Mutation Database (HGMD) in any other affected individuals.In-silico pathogenicity prediction programs like Mutation Taster2, CADD etc. predicted this variant as likely disease causing.